The following is an entry in ClinVar:

NM_205836.3(FBXO38):c.2335C>T (p.His779Tyr)

Gene: FBXO38 (F-box protein 38; plus strand). Cytogenetic location: 5q32.
Variant type: single nucleotide variant.
Coding change: c.2335C>T on transcript NM_205836.3 (MANE Select); coding-DNA position 2335, C replaced by T.
Protein change: p.His779Tyr; replaces histidine 779 with tyrosine.
Molecular consequence: missense variant. On other transcripts: intron variant (1).
Genome position (GRCh38, 1-based): chr5:148,427,629, C>T. VCF-style: chr5-148427629-C-T. GRCh37 (hg19) VCF-style: chr5-147807192-C-T.
Other names: c.2335C>T, p.His779Tyr (NM_030793.5); c.1918+1928C>T (NM_001271723.2); short protein forms H779Y.
Identifiers: ClinVar variation 2614556 (VCV002614556.3), dbSNP rs1753789306, ClinGen allele CA361657565.

ClinVar aggregate classification (germline): Uncertain significance. Review status: criteria provided, multiple submitters, no conflicts (2 of 4 stars). 2 submissions from 2 submitters: Uncertain significance (2). Last evaluated 2025-11-12.

Conditions:
Distal hereditary motor neuropathy type 2. Identifiers: Orphanet 139525, MedGen C3711384, MeSH C580044, MONDO:0015352.

Submissions (2):

Labcorp Genetics (formerly Invitae), Labcorp
Classification: Uncertain significance for Distal hereditary motor neuropathy type 2. Last evaluated: 2025-11-12. Review status: criteria provided, single submitter. Criteria: Invitae Variant Classification Sherloc (09022015). Collection method: clinical testing. Allele origin: germline.
Comment: This sequence change replaces histidine, which is basic and polar, with tyrosine, which is neutral and polar, at codon 779 of the FBXO38 protein (p.His779Tyr). This variant is not present in population databases (gnomAD no frequency). This variant has not been reported in the literature in individuals affected with FBXO38-related conditions. ClinVar contains an entry for this variant (Variation ID: 2614556). Invitae Evidence Modeling of protein sequence and biophysical properties (such as structural, functional, and spatial information, amino acid conservation, physicochemical variation, residue mobility, and thermodynamic stability) indicates that this missense variant is not expected to disrupt FBXO38 protein function with a negative predictive value of 80%. In summary, the available evidence is currently insufficient to determine the role of this variant in disease. Therefore, it has been classified as a Variant of Uncertain Significance.

Ambry Genetics
Classification: Uncertain significance. Last evaluated: 2023-08-02. Review status: criteria provided, single submitter. Criteria: Ambry Variant Classification Scheme 2023. Collection method: clinical testing. Allele origin: germline.
Comment: Does not currently meet published gene-disease clinical validity criteria Based on insufficient or conflicting evidence, the clinical significance of this alteration remains unclear.

Literature cited by the submitters: PubMed 28106320 (cited by Ambry Genetics).